The following is an entry in ClinVar:

NM_001843.4(CNTN1):c.61+79A>C

Gene: CNTN1 (contactin 1; plus strand). Cytogenetic location: 12q12.
Variant type: single nucleotide variant.
Coding change: c.61+79A>C on transcript NM_001843.4 (MANE Select); 79 bases into the intron after coding-DNA position 61, A replaced by C.
Molecular consequence: intron variant.
Genome position (GRCh38, 1-based): chr12:40,908,572, A>C. VCF-style: chr12-40908572-A-C. GRCh37 (hg19) VCF-style: chr12-41302374-A-C.
Other names: c.61+79A>C (NM_001256063.2, NM_001256064.2, NM_175038.2).
Identifiers: ClinVar variation 679918 (VCV000679918.2), dbSNP rs35684552, ClinGen allele CA235411617.

ClinVar aggregate classification (germline): Likely benign. Review status: criteria provided, multiple submitters, no conflicts (2 of 4 stars). 2 submissions from 2 submitters: Likely benign (2). Last evaluated 2018-06-19.

Allele frequency attached by ClinVar (database versions not stated): 1000 Genomes Project 0.02815; 1000 Genomes Project 30x 0.02858; gnomAD 0.03260 and 0.03304; TOPMed 0.03409; gnomAD exomes 0.04122.
gnomAD v4.1: 43,126 of 1,076,696 alleles (4%); highest among the groups gnomAD compares: Middle Eastern, 8.6%; 1,040 homozygotes.

Submissions (2):

GeneDx
Classification: Likely benign. Last evaluated: 2018-06-19. Review status: criteria provided, single submitter. Criteria: GeneDx Variant Classification (06012015). Collection method: clinical testing. Allele origin: germline. Affected: yes.
Comment: This variant is considered likely benign or benign based on one or more of the following criteria: it is a conservative change, it occurs at a poorly conserved position in the protein, it is predicted to be benign by multiple in silico algorithms, and/or has population frequency not consistent with disease.

Breakthrough Genomics
Classification: Likely benign. Review status: criteria provided, single submitter. Criteria: ACMG Guidelines, 2015. Collection method: not provided. Allele origin: germline. Inheritance: Autosomal recessive inheritance. Affected: yes.